The following is an entry in ClinVar:

NM_001367949.2(FAT3):c.5934C>T (p.Ser1978=)

Gene: FAT3 (FAT atypical cadherin 3; plus strand). Cytogenetic location: 11q14.3.
Variant type: single nucleotide variant.
Coding change: c.5934C>T on transcript NM_001367949.2 (MANE Select); coding-DNA position 5934, C replaced by T.
Protein change: p.Ser1978=; no amino-acid change (serine 1978 retained).
Molecular consequence: synonymous variant.
Genome position (GRCh38, 1-based): chr11:92,798,947, C>T. VCF-style: chr11-92798947-C-T. GRCh37 (hg19) VCF-style: chr11-92532113-C-T.
Other names: c.5934C>T, p.Ser1978= (NM_001008781.3); c.5934C>T (NM_001008781.2).
Identifiers: ClinVar variation 2642272 (VCV002642272.25), dbSNP rs371269485, ClinGen allele CA6227210.

ClinVar aggregate classification (germline): Likely benign. Review status: criteria provided, single submitter (1 of 4 stars). 2 submissions from 2 submitters: Likely benign (1). 1 of the submissions does not count toward it. Last evaluated 2023-03-01.

Conditions:
FAT3-related disorder. Also called: FAT3-related condition.

Allele frequency attached by ClinVar (database versions not stated): ExAC 0.00004; gnomAD exomes 0.00005; TOPMed 0.00005; gnomAD 0.00006; ESP Exome Variant Server 0.00008.
gnomAD v4.1: 83 of 1,613,918 alleles (0.0051%); highest among the groups gnomAD compares: Middle Eastern, 0.05%; no homozygotes.

Submissions (2):

CeGaT Center for Human Genetics Tuebingen
Classification: Likely benign. Last evaluated: 2023-03-01. Review status: criteria provided, single submitter. Criteria: CeGaT Center For Human Genetics Tuebingen Variant Classification Criteria Version 2. Collection method: clinical testing. Allele origin: germline. Affected: yes. Observed: 2 variant alleles.
Comment: FAT3: BP4, BP7

PreventionGenetics, part of Exact Sciences
Classification: Likely benign for FAT3-related condition. Last evaluated: 2019-07-21. Review status: no assertion criteria provided. Collection method: clinical testing. Allele origin: germline. Not counted in ClinVar's aggregate classification.
Comment: This variant is classified as likely benign based on ACMG/AMP sequence variant interpretation guidelines (Richards et al. 2015 PMID: 25741868, with internal and published modifications).